The following is an entry in ClinVar:

NC_000023.10:g.(32663270_32715986)_(32717411_32827609)del

Gene: DMD (dystrophin; minus strand). Cytogenetic location: Xp21.1.
Variant type: Deletion.
Identifiers: ClinVar variation 1321345 (VCV001321345.1).

ClinVar aggregate classification (germline): Pathogenic (1 of 4 stars; one submission).

Conditions:
Neuromuscular disease caused by qualitative or quantitative defects of dystrophin. Also called: Qualitative or quantitative defects of dystrophin. Identifiers: Orphanet 207085, MedGen C5679787, MONDO:0016147.

Submission:

Women's Health and Genetics/Laboratory Corporation of America, LabCorp
Classification: Pathogenic for Neuromuscular disease caused by qualitative or quantitative defects of dystrophin. Last evaluated: 2021-10-08. Review status: criteria provided, single submitter. Criteria: LabCorp Variant Classification Summary - May 2015. Collection method: clinical testing. Allele origin: germline.
Comment: Variant summary: The variant identified by MLPA or other technology involves the deletion of exons 8-9 in the DMD gene. A presumed nomenclature of c.(649+1_650-1)_(960+1_961-1)del has been designated for the purposes of this classification. Although exact breakpoints of this deletion are not known, it is expected to result in a frameshift in the DMD gene, a known mechanism of disease. The variant was absent in 16099 control chromosomes (gnomAD structural variants dataset). c.(649+1_650-1)_(960+1_961-1)del has been reported in the literature in numerous individuals affected with Dystrophinopathies (e.g. Flanigan_2009, Tuffery-Giraud_2009, de Almeida_2017, Ling_2020). These data indicate that the variant is very likely to be associated with disease. To our knowledge, no experimental evidence demonstrating an impact on protein function has been reported. One clinical diagnostic laboratory has submitted clinical-significance assessments for this variant to ClinVar after 2014, and classified the variant as pathogenic. Based on the evidence outlined above, the variant was classified as pathogenic.

Literature cited by the submitters: PubMed 19367636; PubMed 19937601; PubMed 31705731; PubMed 28116794.